The following is an entry in ClinVar:

ClinVar aggregate classification (germline): Likely pathogenic. Review status: criteria provided, multiple submitters, no conflicts (2 of 4 stars). 2 submissions from 2 submitters: Likely pathogenic (2). Last evaluated 2023-06-29.

Conditions:
Autosomal recessive nonsyndromic hearing loss 12. Also called: DEAFNESS, AUTOSOMAL RECESSIVE 12. Identifiers: Orphanet 90636, MedGen C1832394, MONDO:0011067, OMIM 601386.
Pituitary adenoma 5, multiple types. Identifiers: MedGen C4539685, MONDO:0054601, OMIM 617540.

Allele frequency attached by ClinVar (database versions not stated): gnomAD exomes below 0.00001 and 0.00001.

Submissions (2):

Baylor Genetics
Classification: Likely pathogenic for Pituitary adenoma 5, multiple types. Last evaluated: 2023-06-29. Review status: criteria provided, single submitter. Criteria: ACMG Guidelines, 2015. Collection method: clinical testing. Allele origin: unknown.

Institute of Human Genetics, University of Goettingen
Classification: Likely pathogenic for Autosomal recessive nonsyndromic hearing loss 12. Last evaluated: 2020-09-02. Review status: criteria provided, single submitter. Criteria: ACMG Guidelines, 2015. Collection method: clinical testing. Allele origin: unknown. Observed: 1 heterozygote.
Comment: ACMG criteria used for classification: PVS1, PM2.

NM_022124.6(CDH23):c.8146del (p.Asp2716fs)

Gene: CDH23 (cadherin related 23; plus strand). Cytogenetic location: 10q22.1.
Variant type: Deletion.
Coding change: c.8146del on transcript NM_022124.6 (MANE Select); coding-DNA position 8146, one base deleted (G; older notation c.8146delG).
Protein change: p.Asp2716fs; shifts the reading frame from aspartic acid 2716.
Molecular consequence: frameshift variant.
Genome position (GRCh38, 1-based): chr10:71,806,249, G deleted. VCF-style (leftmost placement, unchanged base first): chr10-71806248-CG-C. GRCh37 (hg19) VCF-style: chr10-73566005-CG-C.
Other names: c.1426del, p.Asp476fs (NM_001171933.1, NM_001171934.1); short protein forms D2716fs, D476fs.
Identifiers: ClinVar variation 978235 (VCV000978235.4), dbSNP rs1564804195, ClinGen allele CA594317650.